The following is an entry in ClinVar:

NM_182972.3(IRF2BP2):c.332C>T (p.Pro111Leu)

Genes: IRF2BP2 (interferon regulatory factor 2 binding protein 2; minus strand), LOC129932812 (ATAC-STARR-seq lymphoblastoid silent region 1977; plus strand). Cytogenetic location: 1q42.3.
Variant type: single nucleotide variant.
Coding change: c.332C>T on transcript NM_182972.3 (MANE Select); coding-DNA position 332, C replaced by T.
Protein change: p.Pro111Leu; replaces proline 111 with leucine.
Molecular consequence: missense variant.
Genome position (GRCh38, 1-based): chr1:234,609,163, G>A on the plus strand (C>T on the coding strand, the complement: IRF2BP2 is on the minus strand). VCF-style: chr1-234609163-G-A. GRCh37 (hg19) VCF-style: chr1-234744909-G-A.
Other names: c.332C>T, p.Pro111Leu (NM_001077397.1); short protein forms P111L.
Identifiers: ClinVar variation 4765554 (VCV004765554.1).

ClinVar aggregate classification (germline): Uncertain significance (1 of 4 stars; one submission).

gnomAD v4.1: 1 of 1,272,826 alleles (0.000079%); highest among the groups gnomAD compares: Non-Finnish European, 0.000099%; no homozygotes.

Submission:

Labcorp Genetics (formerly Invitae), Labcorp
Classification: Uncertain significance. Last evaluated: 2025-12-01. Review status: criteria provided, single submitter. Criteria: Invitae Variant Classification Sherloc (09022015). Collection method: clinical testing. Allele origin: germline.
Comment: This sequence change replaces proline, which is neutral and non-polar, with leucine, which is neutral and non-polar, at codon 111 of the IRF2BP2 protein (p.Pro111Leu). This variant is not present in population databases (gnomAD no frequency). This variant has not been reported in the literature in individuals affected with IRF2BP2-related conditions. An algorithm developed to predict the effect of missense changes on protein structure and function (PolyPhen-2) suggests that this variant is likely to be tolerated. In summary, the available evidence is currently insufficient to determine the role of this variant in disease. Therefore, it has been classified as a Variant of Uncertain Significance.